The following is an entry in ClinVar:

ClinVar aggregate classification (germline): Uncertain significance (1 of 4 stars; one submission).

Conditions:
Cardiovascular phenotype. Identifiers: MedGen CN230736.

Submission:

Ambry Genetics
Classification: Uncertain significance for Cardiovascular phenotype. Last evaluated: 2025-01-10. Review status: criteria provided, single submitter. Criteria: Ambry Variant Classification Scheme 2023. Collection method: clinical testing. Allele origin: germline.
Comment: The p.S4796R variant (also known as c.14386A>C), located in coding exon 100 of the RYR2 gene, results from an A to C substitution at nucleotide position 14386. The serine at codon 4796 is replaced by arginine, an amino acid with dissimilar properties. This amino acid position is well conserved in available vertebrate species. In addition, this alteration is predicted to be deleterious by in silico analysis. Based on the available evidence, the clinical significance of this variant remains unclear.

NM_001035.3(RYR2):c.14386A>C (p.Ser4796Arg)

Gene: RYR2 (ryanodine receptor 2; plus strand). Cytogenetic location: 1q43.
Variant type: single nucleotide variant.
Coding change: c.14386A>C on transcript NM_001035.3 (MANE Select); coding-DNA position 14386, A replaced by C.
Protein change: p.Ser4796Arg; replaces serine 4796 with arginine.
Molecular consequence: missense variant.
Genome position (GRCh38, 1-based): chr1:237,808,988, A>C. VCF-style: chr1-237808988-A-C. GRCh37 (hg19) VCF-style: chr1-237972288-A-C.
Other names: short protein forms S4796R.
Identifiers: ClinVar variation 3791618 (VCV003791618.1).
Genomic context (GRCh38, chr1:237,808,988, plus strand): 5'-GTTGTTGTATACCTATACACTGTGGTGGCATTCAATTTTTTCCGAAAATTCTACAATAAA[A>C]GTGAAGATGGTGATACACCAGATATGAAATGTGACGATATGCTAACAGTAAGTTCATAAC-3'
Protein context (NP_001026.2, residues 4786-4806): FNFFRKFYNK[Ser4796Arg]EDGDTPDMKC